The following is an entry in ClinVar:

NM_000179.3(MSH6):c.1524G>C (p.Val508=)

Gene: MSH6 (mutS homolog 6; plus strand). Cytogenetic location: 2p16.3.
Variant type: single nucleotide variant.
Coding change: c.1524G>C on transcript NM_000179.3 (MANE Select); coding-DNA position 1524, G replaced by C.
Protein change: p.Val508=; no amino-acid change (valine 508 retained).
Molecular consequence: synonymous variant.
Genome position (GRCh38, 1-based): chr2:47,799,507, G>C. VCF-style: chr2-47799507-G-C. GRCh37 (hg19) VCF-style: chr2-48026646-G-C.
Other names: c.1134G>C, p.Val378= (NM_001281492.2); c.618G>C, p.Val206= (NM_001281493.2, NM_001281494.2).
Identifiers: ClinVar variation 237137 (VCV000237137.22), dbSNP rs878853705, ClinGen allele CA10582051.
Genomic context (GRCh38, chr2:47,799,507, plus strand): 5'-TCCAGAAATGATGGAGGCACGATGTAGAAAGATGGCACATATATCCAAGTATGATAGAGT[G>C]GTGAGGAGGGAGATCTGTAGGATCATTACCAAGGGTACACAGACTTACAGTGTGCTGGAA-3'
Protein context (NP_000170.1, residues 498-518): KMAHISKYDR[Val508=]VRREICRIIT

ClinVar aggregate classification (germline): Conflicting classifications of pathogenicity. Review status: criteria provided, conflicting classifications (1 of 4 stars). 8 submissions from 8 submitters: Uncertain significance (1); Benign (1); Likely benign (6). Last evaluated 2026-01-27.

Conditions:
Hereditary nonpolyposis colorectal neoplasms. Identifiers: MedGen C0009405, MeSH D003123.
Hereditary cancer-predisposing syndrome. Also called: Hereditary neoplastic syndrome; Hereditary Cancer Syndrome; Neoplastic Syndromes, Hereditary; Tumor predisposition. Identifiers: Orphanet 140162, MedGen C0027672, MeSH D009386, MONDO:0015356.
Lynch syndrome. Identifiers: Orphanet 144, MedGen C4552100, MONDO:0005835. Disease mechanism: loss of function.
Lynch syndrome 5 (LYNCH5). Also called: Hereditary non-polyposis colorectal cancer, type 5; Colorectal cancer, hereditary nonpolyposis, type 5. Identifiers: Orphanet 144, MedGen C1833477, MONDO:0013710, OMIM 614350. Disease mechanism: loss of function.

Submissions (8):

Labcorp Genetics (formerly Invitae), Labcorp
Classification: Likely benign for Hereditary nonpolyposis colorectal neoplasms. Last evaluated: 2026-01-27. Review status: criteria provided, single submitter. Criteria: Invitae Variant Classification Sherloc (09022015). Collection method: clinical testing. Allele origin: germline.

Myriad Genetics, Inc.
Classification: Benign for Lynch syndrome 5. Last evaluated: 2024-12-26. Review status: criteria provided, single submitter. Criteria: Myriad Autosomal Dominant, Autosomal Recessive and X-Linked Classification Criteria (2023). Collection method: clinical testing. Allele origin: unknown.
Comment: This variant is considered benign. This variant is a silent/synonymous amino acid change and it is not expected to impact splicing.

Quest Diagnostics Nichols Institute San Juan Capistrano
Classification: Uncertain significance. Last evaluated: 2024-07-02. Review status: criteria provided, single submitter. Criteria: Quest Diagnostics criteria. Collection method: clinical testing. Allele origin: unknown.
Comment: The MSH6 c.1524G>C (p.Val508=) synonymous variant has not been reported in individuals with MSH6-related conditions in the published literature. It also has not been reported in large, multi-ethnic general populations (Genome Aggregation Database). Analysis of this variant using software algorithms for the prediction of the effect of nucleotide changes on splicing yielded predictions that this variant does not affect MSH6 mRNA splicing. Based on the available information, we are unable to determine the clinical significance of this variant.

All of Us Research Program, National Institutes of Health
Classification: Likely benign for Lynch syndrome. Last evaluated: 2023-09-17. Review status: criteria provided, single submitter. Criteria: ACMG Guidelines, 2015. Collection method: clinical testing. Allele origin: germline. Inheritance: Autosomal dominant inheritance. Observed: 6 variant alleles, 6 heterozygotes.
Comment: This study involves interpretation of variants in research participants for the purpose of population health screening. Participant phenotype was not available at the time of variant classification. Additional details can be found in publication PMID: 35346344, PMCID: PMC8962531

Women's Health and Genetics/Laboratory Corporation of America, LabCorp
Classification: Likely benign. Last evaluated: 2023-09-16. Review status: criteria provided, single submitter. Criteria: LabCorp Variant Classification Summary - May 2015. Collection method: clinical testing. Allele origin: germline.

Color Diagnostics, LLC DBA Color Health
Classification: Likely benign for Hereditary cancer-predisposing syndrome. Last evaluated: 2019-09-27. Review status: criteria provided, single submitter. Criteria: ACMG Guidelines, 2015. Collection method: clinical testing. Allele origin: germline.

GeneDx
Classification: Likely benign. Last evaluated: 2017-02-09. Review status: criteria provided, single submitter. Criteria: GeneDx Variant Classification (06012015). Collection method: clinical testing. Allele origin: germline. Affected: yes.
Comment: This variant is considered likely benign or benign based on one or more of the following criteria: it is a conservative change, it occurs at a poorly conserved position in the protein, it is predicted to be benign by multiple in silico algorithms, and/or has population frequency not consistent with disease.

Ambry Genetics
Classification: Likely benign for Hereditary cancer-predisposing syndrome. Last evaluated: 2016-02-22. Review status: criteria provided, single submitter. Criteria: Ambry Variant Classification Scheme 2023. Collection method: clinical testing. Allele origin: germline.